The following is an entry in ClinVar:

ClinVar aggregate classification (germline): Likely benign (1 of 4 stars; one submission).

Conditions:
Familial colorectal cancer type X. Identifiers: Orphanet 440437, MedGen C3896578, MONDO:0018604.

gnomAD v4.1: 2 of 1,557,312 alleles (0.00013%); highest among the groups gnomAD compares: Admixed American, 0.0018%; no homozygotes.

Submission:

Myriad Genetics, Inc.
Classification: Likely benign for Familial colorectal cancer type X. Last evaluated: 2026-07-31. Review status: criteria provided, single submitter. Criteria: Myriad Autosomal Dominant, Autosomal Recessive and X-Linked Classification Criteria (2023). Collection method: clinical testing. Allele origin: unknown.
Comment: This variant is considered likely benign. This variant is intronic and is not expected to impact mRNA splicing.

NM_001023.4(RPS20):c.3+10C>T

Gene: RPS20 (ribosomal protein S20; minus strand). Cytogenetic location: 8q12.1.
Variant type: single nucleotide variant.
Coding change: c.3+10C>T on transcript NM_001023.4 (MANE Select); 10 bases into the intron after coding-DNA position 3, C replaced by T.
Molecular consequence: intron variant.
Genome position (GRCh38, 1-based): chr8:56,074,371, G>A on the plus strand (C>T on the coding strand, the complement: RPS20 is on the minus strand). VCF-style: chr8-56074371-G-A. GRCh37 (hg19) VCF-style: chr8-56986930-G-A.
Other names: c.3+10C>T (NM_001146227.3).
Identifiers: ClinVar variation 5042417 (VCV005042417.1).
Genomic context (GRCh38, chr8:56,074,371, plus strand): 5'-AACTCGAAACCGGGGTCCCCCCGGCGCCCGAGCCCTGCGTTGCGCCGCCCGCCGCCGACT[G>A]CCGCCTCACCATGGCTGTTGCGCGCGGGCTTCCTGACCGACTTGTTCCTCGGCGAGAGCG-3'